The following is an entry in ClinVar:

ClinVar aggregate classification (germline): Uncertain significance. Review status: criteria provided, multiple submitters, no conflicts (2 of 4 stars). 2 submissions from 2 submitters: Uncertain significance (2). Last evaluated 2024-02-15.

Conditions:
Mosaic variegated aneuploidy syndrome 1 (MVA1). Also called: Warburton-Anyane-Yeboa syndrome. Identifiers: Orphanet 1052, MedGen C1850343, MONDO:0009759, OMIM 257300.
Inborn genetic diseases. Identifiers: MedGen C0950123, MeSH D030342.

Allele frequency attached by ClinVar (database versions not stated): gnomAD exomes below 0.00001.
gnomAD v4.1: 1 of 1,614,228 alleles (0.000062%); highest among the groups gnomAD compares: Non-Finnish European, 0.000085%; no homozygotes.

Submissions (2):

Labcorp Genetics (formerly Invitae), Labcorp
Classification: Uncertain significance for Mosaic variegated aneuploidy syndrome 1. Last evaluated: 2024-02-15. Review status: criteria provided, single submitter. Criteria: Invitae Variant Classification Sherloc (09022015). Collection method: clinical testing. Allele origin: germline.
Comment: This sequence change replaces glutamic acid, which is acidic and polar, with glycine, which is neutral and non-polar, at codon 305 of the BUB1B protein (p.Glu305Gly). This variant is not present in population databases (gnomAD no frequency). This variant has not been reported in the literature in individuals affected with BUB1B-related conditions. ClinVar contains an entry for this variant (Variation ID: 1765955). An algorithm developed to predict the effect of missense changes on protein structure and function (PolyPhen-2) suggests that this variant is likely to be disruptive. In summary, the available evidence is currently insufficient to determine the role of this variant in disease. Therefore, it has been classified as a Variant of Uncertain Significance.

Ambry Genetics
Classification: Uncertain significance for Inborn genetic diseases. Last evaluated: 2024-01-16. Review status: criteria provided, single submitter. Criteria: Ambry Variant Classification Scheme 2023. Collection method: clinical testing. Allele origin: germline.
Comment: The p.E305G variant (also known as c.914A>G), located in coding exon 7 of the BUB1B gene, results from an A to G substitution at nucleotide position 914. The glutamic acid at codon 305 is replaced by glycine, an amino acid with similar properties. This amino acid position is conserved. In addition, the in silico prediction for this alteration is inconclusive. Since supporting evidence is limited at this time, the clinical significance of this alteration remains unclear.

NM_001211.6(BUB1B):c.914A>G (p.Glu305Gly)

Gene: BUB1B (BUB1 mitotic checkpoint serine/threonine kinase B; plus strand). Cytogenetic location: 15q15.1.
Variant type: single nucleotide variant.
Coding change: c.914A>G on transcript NM_001211.6 (MANE Select); coding-DNA position 914, A replaced by G.
Protein change: p.Glu305Gly; replaces glutamic acid 305 with glycine.
Molecular consequence: missense variant.
Genome position (GRCh38, 1-based): chr15:40,185,327, A>G. VCF-style: chr15-40185327-A-G. GRCh37 (hg19) VCF-style: chr15-40477528-A-G.
Other names: short protein forms E305G.
Identifiers: ClinVar variation 1765955 (VCV001765955.4), dbSNP rs2542535696, ClinGen allele CA391684637.